The following is an entry in ClinVar:

NM_015311.3(OBSL1):c.1187G>A (p.Arg396His)

Gene: OBSL1 (obscurin like cytoskeletal adaptor 1; minus strand). Cytogenetic location: 2q35.
Variant type: single nucleotide variant.
Coding change: c.1187G>A on transcript NM_015311.3 (MANE Select); coding-DNA position 1187, G replaced by A.
Protein change: p.Arg396His; replaces arginine 396 with histidine.
Molecular consequence: missense variant.
Genome position (GRCh38, 1-based): chr2:219,568,150, C>T on the plus strand (G>A on the coding strand, the complement: OBSL1 is on the minus strand). VCF-style: chr2-219568150-C-T. GRCh37 (hg19) VCF-style: chr2-220432872-C-T.
Other names: c.1187G>A, p.Arg396His (NM_001173408.2, NM_001173431.2); short protein forms R396H.
Identifiers: ClinVar variation 599222 (VCV000599222.5), dbSNP rs1559155800, ClinGen allele CA350760582.

ClinVar aggregate classification (germline): Uncertain significance. Review status: criteria provided, single submitter (1 of 4 stars). 2 submissions from 2 submitters: Uncertain significance (1). 1 of the submissions does not count toward it. Last evaluated 2026-06-08.

Conditions:
3M syndrome 1. Also called: 3-M Syndrome, CUL7-Related. Identifiers: Orphanet 2616, MedGen C2678312, MONDO:0010117, OMIM 273750.

Allele frequency attached by ClinVar (database versions not stated): gnomAD exomes 0.00002.
gnomAD v4.1: 29 of 1,613,804 alleles (0.0018%); highest among the groups gnomAD compares: African/African-American, 0.0027%; no homozygotes.

Submissions (2):

Women's Health and Genetics/Laboratory Corporation of America, LabCorp
Classification: Uncertain significance. Last evaluated: 2026-06-08. Review status: criteria provided, single submitter. Criteria: LabCorp Variant Classification Summary - May 2015. Collection method: clinical testing. Allele origin: germline.
Comment: Variant summary: OBSL1 c.1187G>A (p.Arg396His) results in a non-conservative amino acid change located in the Ig-like domain profile (IPR007110) of the encoded protein sequence. Algorithms developed to predict the effect of missense changes on protein structure and function all suggest that this variant is likely to be disruptive. The variant was absent in 248742 control chromosomes (gnomAD). The available data on variant occurrences in the general population are insufficient to allow any conclusion about variant significance. c.1187G>A has been reported in the literature in at least one individual affected with Three M Syndrome (Simsek-Kiper_2019). This report does not provide unequivocal conclusions about association of the variant with Three M Syndrome 2. To our knowledge, no experimental evidence demonstrating an impact on protein function has been reported. The following publication have been ascertained in the context of this evaluation (PMID: 30980518). ClinVar contains an entry for this variant (Variation ID: 599222). Based on the evidence outlined above, the variant was classified as uncertain significance.

Hacettepe Genetic Diseases Diagnosis Center, Hacettepe University Faculty of Medicine
Classification: Likely pathogenic for 3M syndrome 1. Last evaluated: 2015-12-18. Review status: no assertion criteria provided. Collection method: clinical testing. Allele origin: germline. Inheritance: Autosomal recessive inheritance. Affected: yes. Observed: 1 homozygote. Not counted in ClinVar's aggregate classification.
Comment: This c.1187G>A (p.Arg396His) novel missense variant is located in the 4th Ig-like domain of OBSL1 and resides in the second exon of transcript NM_015311.3. This variant was predicted to affect all validated isoforms of OBSL1. Besides, the p.Arg396His variant was predicted as "Damaging" or "Disease causing" by four different mutation pathogenicity prediction tools (MutationTaster, PolyPhen2, PROVEAN and SIFT). CADD score for this variant was 28.4 and multiple sequence alignment revealed that the Arginine at position 396 is highly conserved across multiple species. This genetic change was not present in our in-house database established within "Hacettepe Exome Project" which comprises 410 clinically unrelated Turkish individuals. In summary, the c.1187G>A (p.Arg396His) variant meets our criteria to be classified as "Likely pathogenic".

Literature cited by the submitters: PubMed 30980518 (cited by Women's Health and Genetics/Laboratory Corporation of America, LabCorp and Hacettepe Genetic Diseases Diagnosis Center, Hacettepe University Faculty of Medicine).